The following is an entry in ClinVar:

ClinVar aggregate classification (germline): Uncertain significance (1 of 4 stars; one submission).

Allele frequency attached by ClinVar (database versions not stated): gnomAD exomes below 0.00001; TOPMed below 0.00001; gnomAD 0.00001.
gnomAD v4.1: 3 of 1,613,902 alleles (0.00019%); highest among the groups gnomAD compares: Non-Finnish European, 0.00025%; no homozygotes.

Submission:

GeneDx
Classification: Uncertain significance. Last evaluated: 2025-09-24. Review status: criteria provided, single submitter. Criteria: GeneDx Variant Classification Process June 2021. Collection method: clinical testing. Allele origin: germline. Affected: yes.
Comment: Not observed at significant frequency in large population cohorts (gnomAD); In silico analysis suggests that this missense variant does not alter protein structure/function; Has not been previously published as pathogenic or benign to our knowledge

NM_017837.4(PIGV):c.1220G>C (p.Gly407Ala)

Gene: PIGV (phosphatidylinositol glycan anchor biosynthesis class V; plus strand). Cytogenetic location: 1p36.11.
Variant type: single nucleotide variant.
Coding change: c.1220G>C on transcript NM_017837.4 (MANE Select); coding-DNA position 1220, G replaced by C.
Protein change: p.Gly407Ala; replaces glycine 407 with alanine.
Molecular consequence: missense variant. On other transcripts: non-coding transcript variant (1).
Genome position (GRCh38, 1-based): chr1:26,797,582, G>C. VCF-style: chr1-26797582-G-C. GRCh37 (hg19) VCF-style: chr1-27124073-G-C.
Other names: c.1220G>C, p.Gly407Ala (NM_001202554.2, NM_001374478.1, NM_001374480.1 and 2 more transcripts); c.839G>C, p.Gly280Ala (NM_001374483.1); c.593G>C, p.Gly198Ala (NM_001374484.1, NM_001374485.1); c.98G>C, p.Gly33Ala (NM_001374486.1); short protein forms G407A, G198A, G280A, G33A.
Identifiers: ClinVar variation 450293 (VCV000450293.3), dbSNP rs1330977790, ClinGen allele CA339203572.
Genomic context (GRCh38, chr1:26,797,582, plus strand): 5'-TTCCAGTAAATGTCTGGATATTCCCCTCTCATGATTTCTAGGTTCTCACCAGGTTTTTGG[G>C]CTCCTCCACTCCTATTATGTACTGGTTTCCAGCTCACTTGCTTCAGGATCAAGAGCCGCT-3'
Protein context (NP_060307.2, residues 397-417): MHVQVLTRFL[Gly407Ala]SSTPIMYWFP